The following is an entry in ClinVar:

NM_170606.3(KMT2C):c.1256_1257del (p.Gln419fs)

Gene: KMT2C (lysine methyltransferase 2C; minus strand). Cytogenetic location: 7q36.1.
Variant type: Deletion.
Coding change: c.1256_1257del on transcript NM_170606.3 (MANE Select); coding-DNA positions 1256 to 1257, 2 bases deleted (AA; older notation c.1256_1257delAA).
Protein change: p.Gln419fs; shifts the reading frame from glutamine 419.
Molecular consequence: frameshift variant.
Genome position (GRCh38, 1-based): chr7:152,263,058-152,263,059, TT deleted on the plus strand (AA on the coding strand, the reverse complement: KMT2C is on the minus strand). VCF-style (leftmost placement, unchanged base first): chr7-152263057-GTT-G. GRCh37 (hg19) VCF-style: chr7-151960142-GTT-G.
Other names: short protein forms Q419fs.
Identifiers: ClinVar variation 4684977 (VCV004684977.1).

ClinVar aggregate classification (germline): Pathogenic (1 of 4 stars; one submission).

Conditions:
Kleefstra syndrome 2 (KLEFS2). Identifiers: MedGen C4540395, MONDO:0054701, OMIM 617768.

Submission:

Institute of Human Genetics, Heidelberg University
Classification: Pathogenic for Kleefstra syndrome 2. Last evaluated: 2025-10-29. Review status: criteria provided, single submitter. Criteria: ACMG Guidelines, 2015. Collection method: clinical testing. Allele origin: de novo. Affected: yes. Observed: 1 variant allele.
Comment: PVS1, PM2_SUP, PM6_SUP